The following is an entry in ClinVar:

NM_001103.4(ACTN2):c.324C>A (p.Ala108=)

Gene: ACTN2 (actinin alpha 2; plus strand). Cytogenetic location: 1q43.
Variant type: single nucleotide variant.
Coding change: c.324C>A on transcript NM_001103.4 (MANE Select); coding-DNA position 324, C replaced by A.
Protein change: p.Ala108=; no amino-acid change (alanine 108 retained).
Molecular consequence: synonymous variant. On other transcripts: 5 prime UTR variant (1).
Genome position (GRCh38, 1-based): chr1:236,718,976, C>A. VCF-style: chr1-236718976-C-A. GRCh37 (hg19) VCF-style: chr1-236882276-C-A.
Other names: c.324C>A, p.Ala108= (NM_001278343.2); c.-498C>A (NM_001278344.2).
Identifiers: ClinVar variation 162725 (VCV000162725.4), dbSNP rs727502885, ClinGen allele CA175226.
Genomic context (GRCh38, chr1:236,718,976, plus strand): 5'-CCGGGGAAAAATGCGGTTCCACAAAATTGCTAATGTCAACAAAGCTTTGGATTACATAGC[C>A]AGCAAAGGGGTGAAACTGGTGTCCATTGGCGCTGAAGGTGAGAGGTGTGGTGGGTGGTCC-3'
Protein context (NP_001094.1, residues 98-118): ANVNKALDYI[Ala108=]SKGVKLVSIG

ClinVar aggregate classification (germline): Likely benign (1 of 4 stars; one submission).

Submission:

Laboratory for Molecular Medicine, Mass General Brigham Personalized Medicine
Classification: Likely benign. Last evaluated: 2013-12-26. Review status: criteria provided, single submitter. Criteria: LMM Criteria. Collection method: clinical testing. Allele origin: germline. Observed: 1 variant allele.
Comment: Ala108Ala in exon 3 of ACTN2: This variant is not expected to have clinical sign ificance because it does not alter an amino acid residue and is not located with in the splice consensus sequence. Ala108Ala in exon 3 of ACTN2 (allele frequenc y = n/a)